The following is an entry in ClinVar:

NM_000465.4(BARD1):c.1931dup (p.Cys645fs)

Gene: BARD1 (BRCA1 associated RING domain 1; minus strand). Cytogenetic location: 2q35.
Variant type: Duplication.
Coding change: c.1931dup on transcript NM_000465.4 (MANE Select); coding-DNA position 1931, one base duplicated (T; older notation c.1931dupT).
Protein change: p.Cys645fs; shifts the reading frame from cysteine 645.
Molecular consequence: frameshift variant. On other transcripts: non-coding transcript variant (3).
Genome position (GRCh38, 1-based): chr2:214,730,481, A duplicated on the plus strand (T on the coding strand, the reverse complement: BARD1 is on the minus strand). VCF-style (leftmost placement, unchanged base first): chr2-214730480-T-TA. GRCh37 (hg19) VCF-style: chr2-215595204-T-TA.
Other names: c.521dup, p.Cys175fs (NM_001282548.2); c.392dup, p.Cys132fs (NM_001282549.2); c.1874dup, p.Cys626fs (NM_001282543.2); c.578dup, p.Cys194fs (NM_001282545.2); short protein forms C132fs, C175fs, C194fs, C626fs, C645fs.
Identifiers: ClinVar variation 4867386 (VCV004867386.1).

ClinVar aggregate classification (germline): Pathogenic (1 of 4 stars; one submission).

Conditions:
Hereditary cancer-predisposing syndrome. Also called: Neoplastic Syndromes, Hereditary; Tumor predisposition; Hereditary Cancer Syndrome; Hereditary neoplastic syndrome. Identifiers: Orphanet 140162, MedGen C0027672, MeSH D009386, MONDO:0015356.

Submission:

Ambry Genetics
Classification: Pathogenic for Hereditary cancer-predisposing syndrome. Last evaluated: 2026-03-27. Review status: criteria provided, single submitter. Criteria: Ambry Variant Classification Scheme 2023. Collection method: clinical testing. Allele origin: germline.
Comment: The c.1931dupT pathogenic mutation, located in coding exon 10 of the BARD1 gene, results from a duplication of T at nucleotide position 1931, causing a translational frameshift with a predicted alternate stop codon (p.C645Mfs*2). This variant is considered to be rare based on population cohorts in the Genome Aggregation Database (gnomAD). This variant is expected to result in loss of function by premature protein truncation or nonsense-mediated mRNA decay. As such, this variant is interpreted as a disease-causing mutation.